The following is an entry in ClinVar:

ClinVar aggregate classification (germline): Uncertain significance (1 of 4 stars; one submission).

Conditions:
Periodontitis, aggressive. Identifiers: MedGen C0031106, MONDO:0980757.
Haim-Munk syndrome (HMS). Also called: COCHIN JEWISH DISORDER; KERATOSIS PALMOPLANTARIS WITH PERIODONTOPATHIA AND ONYCHOGRYPOSIS. Identifiers: Orphanet 2342, MedGen C1855627, MONDO:0009491, OMIM 245010.
Papillon-Lefèvre syndrome (PALS). Also called: Papillon-Lefevre Disease; KERATOSIS PALMOPLANTARIS WITH PERIODONTOPATHIA. Identifiers: Orphanet 678, MedGen C0030360, MONDO:0009490, OMIM 245000.

Submission:

Labcorp Genetics (formerly Invitae), Labcorp
Classification: Uncertain significance for Haim-Munk syndrome; Periodontitis, aggressive; Papillon-Lefèvre syndrome. Last evaluated: 2019-12-04. Review status: criteria provided, single submitter. Criteria: Invitae Variant Classification Sherloc (09022015). Collection method: clinical testing. Allele origin: germline.
Comment: In summary, the available evidence is currently insufficient to determine the role of this variant in disease. Therefore, it has been classified as a Variant of Uncertain Significance. Algorithms developed to predict the effect of missense changes on protein structure and function output the following: SIFT: "Tolerated"; PolyPhen-2: "Benign"; Align-GVGD: "Class C0". The arginine amino acid residue is found in multiple mammalian species, suggesting that this missense change does not adversely affect protein function. These predictions have not been confirmed by published functional studies and their clinical significance is uncertain. This variant has not been reported in the literature in individuals with CTSC-related conditions. This variant is not present in population databases (ExAC no frequency). This sequence change replaces lysine with arginine at codon 113 of the CTSC protein (p.Lys113Arg). The lysine residue is weakly conserved and there is a small physicochemical difference between lysine and arginine.

NM_001814.6(CTSC):c.338A>G (p.Lys113Arg)

Gene: CTSC (cathepsin C; minus strand). Cytogenetic location: 11q14.2.
Variant type: single nucleotide variant.
Coding change: c.338A>G on transcript NM_001814.6 (MANE Select); coding-DNA position 338, A replaced by G.
Protein change: p.Lys113Arg; replaces lysine 113 with arginine.
Molecular consequence: missense variant.
Genome position (GRCh38, 1-based): chr11:88,312,535, T>C on the plus strand (A>G on the coding strand, the complement: CTSC is on the minus strand). VCF-style: chr11-88312535-T-C. GRCh37 (hg19) VCF-style: chr11-88045703-T-C.
Other names: short protein forms K113R.
Identifiers: ClinVar variation 849347 (VCV000849347.8), dbSNP rs2496562312, ClinGen allele CA382026945.